The following is an entry in ClinVar:

ClinVar aggregate classification (germline): Likely benign. Review status: criteria provided, multiple submitters, no conflicts (2 of 4 stars). 2 submissions from 2 submitters: Likely benign (2). Last evaluated 2025-02-10.

Conditions:
Colorectal cancer, susceptibility to, 12 (CRCS12). Also called: COLORECTAL CANCER, SUSCEPTIBILITY TO, ON CHROMOSOME 12q24. Identifiers: Orphanet 220460, MedGen C3554460, MONDO:0014038, OMIM 615083.

Allele frequency attached by ClinVar (database versions not stated): gnomAD 0.00001.

Submissions (2):

Myriad Genetics, Inc.
Classification: Likely benign for Colorectal cancer, susceptibility to, 12. Last evaluated: 2025-02-10. Review status: criteria provided, single submitter. Criteria: Myriad Autosomal Dominant, Autosomal Recessive and X-Linked Classification Criteria (2023). Collection method: clinical testing. Allele origin: unknown.
Comment: This variant is considered likely benign. This variant is intronic and is not expected to impact mRNA splicing.

Labcorp Genetics (formerly Invitae), Labcorp
Classification: Likely benign. Last evaluated: 2023-09-05. Review status: criteria provided, single submitter. Criteria: Invitae Variant Classification Sherloc (09022015). Collection method: clinical testing. Allele origin: germline.

NM_006231.4(POLE):c.1107-14T>C

Gene: POLE (DNA polymerase epsilon, catalytic subunit; minus strand). Cytogenetic location: 12q24.33.
Variant type: single nucleotide variant.
Coding change: c.1107-14T>C on transcript NM_006231.4 (MANE Select); 14 bases into the intron before coding-DNA position 1107, T replaced by C.
Molecular consequence: intron variant.
Genome position (GRCh38, 1-based): chr12:132,675,531, A>G on the plus strand (T>C on the coding strand, the complement: POLE is on the minus strand). VCF-style: chr12-132675531-A-G. GRCh37 (hg19) VCF-style: chr12-133252117-A-G.
Identifiers: ClinVar variation 2719834 (VCV002719834.4), dbSNP rs1167544373, ClinGen allele CA608514414.